The following is an entry in ClinVar:

NM_000082.4(ERCC8):c.275+1G>A

Gene: ERCC8 (ERCC excision repair 8, CSA ubiquitin ligase complex subunit; minus strand). Cytogenetic location: 5q12.1.
Variant type: single nucleotide variant.
Coding change: c.275+1G>A on transcript NM_000082.4 (MANE Select); the canonical splice donor site of the intron after coding-DNA position 275, G replaced by A.
Molecular consequence: splice donor variant.
Genome position (GRCh38, 1-based): chr5:60,922,053, C>T on the plus strand (G>A on the coding strand, the complement: ERCC8 is on the minus strand). VCF-style: chr5-60922053-C-T. GRCh37 (hg19) VCF-style: chr5-60217880-C-T.
Other names: c.-103+1G>A (NM_001290285.2); c.101+1G>A (NM_001007233.3); c.275+1G>A (NM_001007234.3).
Identifiers: ClinVar variation 2691711 (VCV002691711.2), dbSNP rs2112522829, ClinGen allele CA359828105.
Genomic context (GRCh38, chr5:60,922,053, plus strand): 5'-TCGATGCAAAAAATACTCAACTATTTACAAATTCATAAATTTTTACATTTTAAATACATA[C>T]CTGCCAATGGAACACACTGCTTTACATGTGTAATAAGATTGTCTGCTGGAGTTCTCAAGG-3'

ClinVar aggregate classification (germline): Pathogenic. Review status: criteria provided, multiple submitters, no conflicts (2 of 4 stars). 2 submissions from 2 submitters: Pathogenic (2). Last evaluated 2025-02-26.

Conditions:
Cockayne syndrome. Identifiers: Orphanet 191, MedGen C0009207, MONDO:0016006.
Cockayne syndrome type 1. Also called: Cockayne syndrome type I; Cockayne syndrome classical; Cockayne syndrome classic form. Identifiers: Orphanet 191, Orphanet 90321, MedGen C0751039, MONDO:0019569, OMIM 216400.

Submissions (2):

3billion
Classification: Pathogenic for Cockayne syndrome type 1. Last evaluated: 2025-02-26. Review status: criteria provided, single submitter. Criteria: ACMG Guidelines, 2015. Collection method: clinical testing. Allele origin: germline. Affected: yes.
Comment: The variant is not observed in the gnomAD v4.1.0 dataset. Predicted Consequence/Location: Canonical splice site: predicted to alter splicing and result in a loss or disruption of normal protein function. Multiple pathogenic loss-of-function variants are reported downstream of the variant. In silico tools predict the variant to alter splicing and produce an abnormal transcript [SpliceAI: 0.95 (spliceogenicity >=0.2, non-spliceogenicity <0.1)]. The variant has been reported to be associated with ERCC8-related disorder (ClinVar ID: VCV002691711 /PMID: 19894250). Therefore, this variant is classified as Pathogenic according to the recommendation of ACMG/AMP guideline.

Women's Health and Genetics/Laboratory Corporation of America, LabCorp
Classification: Pathogenic for Cockayne syndrome. Last evaluated: 2023-12-15. Review status: criteria provided, single submitter. Criteria: LabCorp Variant Classification Summary - May 2015. Collection method: clinical testing. Allele origin: germline.
Comment: Variant summary: ERCC8 c.275+1G>A is located in a canonical splice-site and is predicted to affect mRNA splicing resulting in a significantly altered protein due to either exon skipping, shortening, or inclusion of intronic material. Several computational tools predict a significant impact on normal splicing: Four predict the variant abolishes a 5 prime splicing donor site. However, these predictions have yet to be confirmed by functional studies. The variant was absent in 248074 control chromosomes. c.275+1G>A has been reported in the literature in individuals affected with Cockayne Syndrome. These data indicate that the variant is likely to be associated with disease. The following publication have been ascertained in the context of this evaluation (PMID: 19894250). No submitters have cited clinical-significance assessments for this variant to ClinVar after 2014. Based on the evidence outlined above, the variant was classified as pathogenic.

Literature cited by the submitters: PubMed 19894250 (cited by 3billion and Women's Health and Genetics/Laboratory Corporation of America, LabCorp).